The following is an entry in ClinVar:

NM_001105206.3(LAMA4):c.1080A>C (p.Glu360Asp)

Gene: LAMA4 (laminin subunit alpha 4; minus strand). Cytogenetic location: 6q21.
Variant type: single nucleotide variant.
Coding change: c.1080A>C on transcript NM_001105206.3 (MANE Select); coding-DNA position 1080, A replaced by C.
Protein change: p.Glu360Asp; replaces glutamic acid 360 with aspartic acid.
Molecular consequence: missense variant.
Genome position (GRCh38, 1-based): chr6:112,178,230, T>G on the plus strand (A>C on the coding strand, the complement: LAMA4 is on the minus strand). VCF-style: chr6-112178230-T-G. GRCh37 (hg19) VCF-style: chr6-112499432-T-G.
Other names: c.1059A>C, p.Glu353Asp (NM_001105207.3, NM_002290.5); short protein forms E353D, E360D.
Identifiers: ClinVar variation 4096204 (VCV004096204.1).

ClinVar aggregate classification (germline): Uncertain significance (1 of 4 stars; one submission).

Conditions:
Cardiovascular phenotype. Identifiers: MedGen CN230736.

gnomAD v4.1: 1 of 1,606,952 alleles (0.000062%); highest among the groups gnomAD compares: South Asian, 0.0011%; no homozygotes.

Submission:

Ambry Genetics
Classification: Uncertain significance for Cardiovascular phenotype. Last evaluated: 2025-06-20. Review status: criteria provided, single submitter. Criteria: Ambry Variant Classification Scheme 2023. Collection method: clinical testing. Allele origin: germline.
Comment: The p.E353D variant (also known as c.1059A>C), located in coding exon 9 of the LAMA4 gene, results from an A to C substitution at nucleotide position 1059. The glutamic acid at codon 353 is replaced by aspartic acid, an amino acid with highly similar properties. This amino acid position is conserved. In addition, this alteration is predicted to be tolerated by in silico analysis. Based on the available evidence, the clinical significance of this variant remains unclear.